The following is an entry in ClinVar:

NM_004281.4(BAG3):c.1718C>T (p.Ala573Val)

Gene: BAG3 (BAG cochaperone 3; plus strand). Cytogenetic location: 10q26.11.
Variant type: single nucleotide variant.
Coding change: c.1718C>T on transcript NM_004281.4 (MANE Select); coding-DNA position 1718, C replaced by T.
Protein change: p.Ala573Val; replaces alanine 573 with valine.
Molecular consequence: missense variant.
Genome position (GRCh38, 1-based): chr10:119,677,272, C>T. VCF-style: chr10-119677272-C-T. GRCh37 (hg19) VCF-style: chr10-121436784-C-T.
Other names: short protein forms A573V.
Identifiers: ClinVar variation 1778665 (VCV001778665.2), dbSNP rs755280040, ClinGen allele CA5716598.

ClinVar aggregate classification (germline): Uncertain significance (1 of 4 stars; one submission).

Conditions:
Cardiovascular phenotype. Identifiers: MedGen CN230736.

Allele frequency attached by ClinVar (database versions not stated): ExAC 0.00001; gnomAD exomes 0.00001.
gnomAD v4.1: 4 of 1,614,008 alleles (0.00025%); highest among the groups gnomAD compares: Non-Finnish European, 0.00025%; no homozygotes.

Submission:

Ambry Genetics
Classification: Uncertain significance for Cardiovascular phenotype. Last evaluated: 2019-11-22. Review status: criteria provided, single submitter. Criteria: Ambry Variant Classification Scheme 2023. Collection method: clinical testing. Allele origin: germline.
Comment: The p.A573V variant (also known as c.1718C>T), located in coding exon 4 of the BAG3 gene, results from a C to T substitution at nucleotide position 1718. The alanine at codon 573 is replaced by valine, an amino acid with similar properties. This amino acid position is poorly conserved in available vertebrate species. In addition, this alteration is predicted to be tolerated by in silico analysis. Since supporting evidence is limited at this time, the clinical significance of this alteration remains unclear.